The following is an entry in ClinVar:

NM_001127671.2(LIFR):c.756dup (p.Lys253Ter)

Gene: LIFR (LIF receptor subunit alpha; minus strand). Cytogenetic location: 5p13.1.
Variant type: Duplication.
Coding change: c.756dup on transcript NM_001127671.2 (MANE Select); coding-DNA position 756, one base duplicated (T; older notation c.756dupT).
Protein change: p.Lys253Ter; replaces lysine 253 with a stop codon.
Molecular consequence: nonsense.
Genome position (GRCh38, 1-based): chr5:38,510,699, A duplicated on the plus strand (T on the coding strand, the reverse complement: LIFR is on the minus strand). VCF-style (leftmost placement, unchanged base first): chr5-38510698-T-TA. GRCh37 (hg19) VCF-style: chr5-38510800-T-TA.
Other names: c.756dup, p.Lys253Ter (NM_001364297.2, NM_001364298.2, NM_002310.6); c.756dupT (NM_002310.5); short protein forms K253*.
Identifiers: ClinVar variation 871488 (VCV000871488.58), dbSNP rs1745753552, ClinGen allele CA1139658818.

ClinVar aggregate classification (germline): Pathogenic. Review status: criteria provided, multiple submitters, no conflicts (2 of 4 stars). 12 submissions from 12 submitters: Pathogenic (12). Last evaluated 2025-03-14.

Conditions:
Stüve-Wiedemann syndrome 1. Also called: STUVE-WIEDEMANN/SCHWARTZ-JAMPEL TYPE 2 SYNDROME. Identifiers: Orphanet 3206, MedGen C5676888, MONDO:0800043, OMIM 601559.
Stuve-Wiedemann syndrome (STWS). Also called: Stüve-Wiedemann syndrome. Identifiers: Orphanet 3206, MedGen C0796176, MONDO:0031280.
LIFR-related disorder. Also called: LIFR-related condition.

Allele frequency attached by ClinVar (database versions not stated): gnomAD exomes below 0.00001; TOPMed below 0.00001.

Submissions (12):

3billion
Classification: Pathogenic for Stüve-Wiedemann syndrome 1. Last evaluated: 2025-03-14. Review status: criteria provided, single submitter. Criteria: ACMG Guidelines, 2015. Collection method: clinical testing. Allele origin: germline. Affected: yes.
Comment: The variant is observed at an extremely low frequency in the gnomAD v4.1.0 dataset (total allele frequency: <0.001%). Predicted Consequence/Location: Stop-gained (nonsense): predicted to result in a loss or disruption of normal protein function through nonsense-mediated decay (NMD) or protein truncation. Multiple pathogenic variants are reported downstream of the variant. The variant was homozygous. The variant has been reported at least twice as pathogenic with clinical assertions and evidence for the classification (ClinVar ID: VCV000871488 / PMID: 14740318). Therefore, this variant is classified as Pathogenic according to the recommendation of ACMG/AMP guideline.

Natera, Inc.
Classification: Pathogenic for Stuve-Wiedemann syndrome. Last evaluated: 2025-02-14. Review status: criteria provided, single submitter. Criteria: Natera Variant Classification Schema (03/2026). Collection method: clinical testing. Allele origin: germline.
Comment: The c.756dupT variant in LIFR is a frameshift variant predicted to shift the reading frame and introduce a stop codon. This variant is expected to result in nonsense mediated decay, truncation, or a dysfunctional protein product. This variant is rare in the general population with a frequency below the threshold expected for the associated phenotype(s). This variant has been observed in one or more individuals affected with the associated recessive disease, as either homozygous or compound heterozygous with a second variant (PMID: 33305909). Given the available evidence, this variant is classified as Pathogenic.

CeGaT Center for Human Genetics Tuebingen
Classification: Pathogenic. Last evaluated: 2024-09-01. Review status: criteria provided, single submitter. Criteria: CeGaT Center For Human Genetics Tuebingen Variant Classification Criteria Version 2. Collection method: clinical testing. Allele origin: germline. Affected: yes. Observed: 5 variant alleles.
Comment: LIFR: PVS1, PM2, PM3

Labcorp Genetics (formerly Invitae), Labcorp
Classification: Pathogenic. Last evaluated: 2024-06-10. Review status: criteria provided, single submitter. Criteria: Invitae Variant Classification Sherloc (09022015). Collection method: clinical testing. Allele origin: germline.
Comment: This sequence change creates a premature translational stop signal (p.Lys253*) in the LIFR gene. It is expected to result in an absent or disrupted protein product. Loss-of-function variants in LIFR are known to be pathogenic (PMID: 14740318). This variant is not present in population databases (gnomAD no frequency). This premature translational stop signal has been observed in individuals with Stuve-Wiedemann syndrome (PMID: 14740318, 24477277, 25868946). ClinVar contains an entry for this variant (Variation ID: 871488). For these reasons, this variant has been classified as Pathogenic.

Fulgent Genetics
Classification: Pathogenic for Stüve-Wiedemann syndrome 1. Last evaluated: 2024-05-29. Review status: criteria provided, single submitter. Criteria: ACMG Guidelines, 2015. Collection method: clinical testing. Allele origin: germline.

Blueprint Genetics
Classification: Pathogenic for LIFR-related disorders. Last evaluated: 2024-03-15. Review status: criteria provided, single submitter. Criteria: ACMG Guidelines, 2015. Collection method: clinical testing. Allele origin: germline. Affected: yes. Observed: 5 variant alleles.

Women's Health and Genetics/Laboratory Corporation of America, LabCorp
Classification: Pathogenic for Stuve-Wiedemann syndrome. Last evaluated: 2023-03-17. Review status: criteria provided, single submitter. Criteria: LabCorp Variant Classification Summary - May 2015. Collection method: clinical testing. Allele origin: germline.
Comment: Variant summary: LIFR c.756dupT (p.Lys253X), also referred to as c.756_757insT, results in a premature termination codon, predicted to cause a truncation of the encoded protein or absence of the protein due to nonsense mediated decay, which are commonly known mechanisms for disease. The variant was absent in 250744 control chromosomes (gnomAD). c.756dupT has been reported in the literature in multiple homozygous individuals affected with Stuve-Wiedemann Syndrome (e.g. Dangoneau_2004, Corona-Rivera_2009, Buonuomo_2014). These data indicate that the variant is very likely to be associated with disease. To our knowledge, no experimental evidence demonstrating an impact on protein function has been reported. Eight submitters have provided clinical-significance assessments for this variant to ClinVar after 2014 and all classified the variant as pathogenic. Based on the evidence outlined above, the variant was classified as pathogenic.

GeneDx
Classification: Pathogenic. Last evaluated: 2023-03-03. Review status: criteria provided, single submitter. Criteria: GeneDx Variant Classification Process June 2021. Collection method: clinical testing. Allele origin: germline. Affected: yes.
Comment: Nonsense variant predicted to result in protein truncation or nonsense-mediated decay in a gene for which loss-of-function is a known mechanism of disease; Not observed at significant frequency in large population cohorts (gnomAD); This variant is associated with the following publications: (PMID: 24477277, 19371797, 25868946, 34958143, 33305909, 14740318)

Institute of Human Genetics Munich, TUM University Hospital
Classification: Pathogenic for Stüve-Wiedemann syndrome 1. Last evaluated: 2022-06-21. Review status: criteria provided, single submitter. Criteria: Classification criteria August 2017. Collection method: clinical testing. Allele origin: germline. Inheritance: Autosomal recessive inheritance. Affected: yes. Observed: 1 variant allele.

Laboratory of Medical Genetics, National & Kapodistrian University of Athens
Classification: Pathogenic for Stüve-Wiedemann syndrome 1. Last evaluated: 2022-03-02. Review status: criteria provided, single submitter. Criteria: ACMG Guidelines, 2015. Collection method: clinical testing. Allele origin: germline. Affected: yes.
Comment: PVS1, PM2, PP5

Institute of Human Genetics, Clinical Exome/Genome Diagnostics Group, University Hospital Bonn
Classification: Pathogenic for Stüve-Wiedemann syndrome 1. Last evaluated: 2021-02-10. Review status: criteria provided, single submitter. Criteria: ACMG Guidelines, 2015. Collection method: clinical testing. Allele origin: biparental. Affected: yes.
Comment: PVS1, PS4_moderate, PM2

CENTOGENE GmbH and LLC - Guiding Precision Medicine
Classification: Pathogenic for Stüve-Wiedemann syndrome 1. Last evaluated: 2019-07-19. Review status: criteria provided, single submitter. Criteria: ACMG Guidelines, 2015. Collection method: clinical testing. Allele origin: biparental. Affected: yes.

Literature cited by the submitters: PubMed 14740318 (cited by 3 submitters); PubMed 33305909 (cited by Natera, Inc.); PubMed 24477277 (cited by Labcorp Genetics (formerly Invitae), Labcorp and Women's Health and Genetics/Laboratory Corporation of America, LabCorp); PubMed 25868946 (cited by Labcorp Genetics (formerly Invitae), Labcorp); PubMed 19371797 (cited by Women's Health and Genetics/Laboratory Corporation of America, LabCorp).